The following is an entry in ClinVar:

ClinVar aggregate classification (germline): Likely benign. Review status: criteria provided, multiple submitters, no conflicts (2 of 4 stars). 2 submissions from 2 submitters: Likely benign (2). Last evaluated 2025-11-22.

Conditions:
COG7 congenital disorder of glycosylation (CDG2E). Also called: CONGENITAL DISORDER OF GLYCOSYLATION, TYPE IIe; CDG IIe. Identifiers: Orphanet 79333, MedGen C2931010, MONDO:0012118, OMIM 608779.

Allele frequency attached by ClinVar (database versions not stated): TOPMed 0.00003.
gnomAD v4.1: 33 of 1,612,936 alleles (0.002%); highest among the groups gnomAD compares: Admixed American, 0.05%; no homozygotes.

Submissions (2):

Labcorp Genetics (formerly Invitae), Labcorp
Classification: Likely benign for COG7 congenital disorder of glycosylation. Last evaluated: 2025-11-22. Review status: criteria provided, single submitter. Criteria: Invitae Variant Classification Sherloc (09022015). Collection method: clinical testing. Allele origin: germline.

GeneDx
Classification: Likely benign. Last evaluated: 2016-04-18. Review status: criteria provided, single submitter. Criteria: GeneDx Variant Classification (06012015). Collection method: clinical testing. Allele origin: germline. Affected: yes.
Comment: This variant is considered likely benign or benign based on one or more of the following criteria: it is a conservative change, it occurs at a poorly conserved position in the protein, it is predicted to be benign by multiple in silico algorithms, and/or has population frequency not consistent with disease.

NM_153603.4(COG7):c.1137+11A>G

Gene: COG7 (component of oligomeric golgi complex 7; minus strand). Cytogenetic location: 16p12.2.
Variant type: single nucleotide variant.
Coding change: c.1137+11A>G on transcript NM_153603.4 (MANE Select); 11 bases into the intron after coding-DNA position 1137, A replaced by G.
Molecular consequence: intron variant.
Genome position (GRCh38, 1-based): chr16:23,418,689, T>C on the plus strand (A>G on the coding strand, the complement: COG7 is on the minus strand). VCF-style: chr16-23418689-T-C. GRCh37 (hg19) VCF-style: chr16-23430010-T-C.
Identifiers: ClinVar variation 385153 (VCV000385153.8), dbSNP rs74012174, ClinGen allele CA7961077.